The following is an entry in ClinVar:

ClinVar aggregate classification (germline): Uncertain significance (1 of 4 stars; one submission).

Submission:

GeneDx
Classification: Uncertain significance. Last evaluated: 2024-12-12. Review status: criteria provided, single submitter. Criteria: GeneDx Variant Classification Process June 2021. Collection method: clinical testing. Allele origin: germline. Affected: yes.
Comment: Not observed at significant frequency in large population cohorts (gnomAD); In silico analysis supports that this missense variant has a deleterious effect on protein structure/function; Has not been previously published as pathogenic or benign to our knowledge

NM_001329943.3(KIAA0586):c.1524T>G (p.Ile508Met)

Gene: KIAA0586 (KIAA0586; plus strand). Cytogenetic location: 14q23.1.
Variant type: single nucleotide variant.
Coding change: c.1524T>G on transcript NM_001329943.3 (MANE Select); coding-DNA position 1524, T replaced by G.
Protein change: p.Ile508Met; replaces isoleucine 508 with methionine.
Molecular consequence: missense variant.
Genome position (GRCh38, 1-based): chr14:58,457,920, T>G. VCF-style: chr14-58457920-T-G. GRCh37 (hg19) VCF-style: chr14-58924638-T-G.
Other names: c.1683T>G, p.Ile561Met (NM_001244189.2); c.1479T>G, p.Ile493Met (NM_001244190.2); c.1269T>G, p.Ile423Met (NM_001244191.2, NM_001329945.2, NM_001364700.1 and 1 more transcripts); c.1392T>G, p.Ile464Met (NM_001244192.2); c.1104T>G, p.Ile368Met (NM_001244193.2); c.1524T>G, p.Ile508Met (NM_001329944.2, NM_001329946.2, NM_001329947.2 and 1 more transcripts); short protein forms I368M, I423M, I464M, I493M, I508M, I561M.
Identifiers: ClinVar variation 3903014 (VCV003903014.1).
Genomic context (GRCh38, chr14:58,457,920, plus strand): 5'-GAAGATTTTGAGAGGAGTACAAAACAATAAAAAAGTACTTGAAGAAAACCTGGAAGCTAT[T>G]ATTCGTGCAAAAGATGGAGCTGCCATGTATTCGCTTATCAATGCTTTATCTACCAACAGG-3'
Protein context (NP_001316872.1, residues 498-518): KKVLEENLEA[Ile508Met]IRAKDGAAMY